The following is an entry in ClinVar:

NM_004614.5(TK2):c.628G>A (p.Glu210Lys)

Gene: TK2 (thymidine kinase 2; minus strand). Cytogenetic location: 16q21.
Variant type: single nucleotide variant.
Coding change: c.628G>A on transcript NM_004614.5 (MANE Select); coding-DNA position 628, G replaced by A.
Protein change: p.Glu210Lys; replaces glutamic acid 210 with lysine.
Molecular consequence: missense variant. On other transcripts: nonsense (1), non-coding transcript variant (1).
Genome position (GRCh38, 1-based): chr16:66,513,802, C>T on the plus strand (G>A on the coding strand, the complement: TK2 is on the minus strand). VCF-style: chr16-66513802-C-T. GRCh37 (hg19) VCF-style: chr16-66547705-C-T.
Other names: c.535G>A, p.Glu179Lys (NM_001172643.1); c.553G>A, p.Glu185Lys (NM_001172644.2); c.574G>A, p.Glu192Lys (NM_001172645.2); c.481G>A, p.Glu161Lys (NM_001271934.2); c.366G>A, p.Trp122Ter (NM_001271935.1); c.337G>A, p.Glu113Lys (NM_001272050.2); short protein forms E179K, E192K, W122*, E113K, E161K, E185K, E210K.
Identifiers: ClinVar variation 1444367 (VCV001444367.5), dbSNP rs1437846690, ClinGen allele CA396187332.

ClinVar aggregate classification (germline): Uncertain significance (1 of 4 stars; one submission).

Allele frequency attached by ClinVar (database versions not stated): gnomAD exomes 0.00001.
gnomAD v4.1: 7 of 1,613,972 alleles (0.00043%); highest among the groups gnomAD compares: Non-Finnish European, 0.00059%; no homozygotes.

Submission:

Labcorp Genetics (formerly Invitae), Labcorp
Classification: Uncertain significance. Last evaluated: 2021-08-27. Review status: criteria provided, single submitter. Criteria: Invitae Variant Classification Sherloc (09022015). Collection method: clinical testing. Allele origin: germline.
Comment: This sequence change replaces glutamic acid with lysine at codon 210 of the TK2 protein (p.Glu210Lys). The glutamic acid residue is weakly conserved and there is a small physicochemical difference between glutamic acid and lysine. This variant is not present in population databases (ExAC no frequency). This variant has not been reported in the literature in individuals affected with TK2-related conditions. Advanced modeling of protein sequence and biophysical properties (such as structural, functional, and spatial information, amino acid conservation, physicochemical variation, residue mobility, and thermodynamic stability) performed at Invitae indicates that this missense variant is not expected to disrupt TK2 protein function. In summary, the available evidence is currently insufficient to determine the role of this variant in disease. Therefore, it has been classified as a Variant of Uncertain Significance.